The following is an entry in ClinVar:

ClinVar aggregate classification (germline): Uncertain significance (1 of 4 stars; one submission).

Submission:

CeGaT Center for Human Genetics Tuebingen
Classification: Uncertain significance. Last evaluated: 2022-03-01. Review status: criteria provided, single submitter. Criteria: CeGaT Center For Human Genetics Tuebingen Variant Classification Criteria Version 2. Collection method: clinical testing. Allele origin: germline. Affected: yes. Observed: 1 variant allele.
Comment: KRT6C: PM2

NM_173086.5(KRT6C):c.178_181del (p.Ser60fs)

Gene: KRT6C (keratin 6C; minus strand). Cytogenetic location: 12q13.13.
Variant type: Deletion.
Coding change: c.178_181del on transcript NM_173086.5 (MANE Select); coding-DNA positions 178 to 181, 4 bases deleted (AGTC; older notation c.178_181delAGTC).
Protein change: p.Ser60fs; shifts the reading frame from serine 60.
Molecular consequence: frameshift variant.
Genome position (GRCh38, 1-based): chr12:52,473,557-52,473,560, GACT deleted on the plus strand (AGTC on the coding strand, the reverse complement: KRT6C is on the minus strand); deleting any 4 consecutive bases within chr12:52,473,557-52,473,561 gives the same sequence; the c. name uses the placement nearest the transcript's 3' end. VCF-style (leftmost placement, unchanged base first): chr12-52473556-AGACT-A. GRCh37 (hg19) VCF-style: chr12-52867340-AGACT-A.
Other names: short protein forms S60fs.
Identifiers: ClinVar variation 1675499 (VCV001675499.33), dbSNP rs2121518659, ClinGen allele CA2573148927.
Genomic context (GRCh38, chr12:52,473,556, plus strand): 5'-CCACTGATGGCACAGCTGCCCCCTCCAATGGAGATCCTCTTGGAGCCCCCCAGGCCATAC[AGACT>A]GCGGCTGCCAAAGCCAGCTCCTCCACATGCACCACCCAGGCCACCACTGCCCCTGGAGCG-3'